The following is an entry in ClinVar:

NM_032383.5(HPS3):c.2073C>G (p.Asp691Glu)

Gene: HPS3 (HPS3 biogenesis of lysosomal organelles complex 2 subunit 1; plus strand). Cytogenetic location: 3q24.
Variant type: single nucleotide variant.
Coding change: c.2073C>G on transcript NM_032383.5 (MANE Select); coding-DNA position 2073, C replaced by G.
Protein change: p.Asp691Glu; replaces aspartic acid 691 with glutamic acid.
Molecular consequence: missense variant.
Genome position (GRCh38, 1-based): chr3:149,160,246, C>G. VCF-style: chr3-149160246-C-G. GRCh37 (hg19) VCF-style: chr3-148878033-C-G.
Other names: c.1578C>G, p.Asp526Glu (NM_001308258.2); short protein forms D526E, D691E.
Identifiers: ClinVar variation 2125198 (VCV002125198.4), dbSNP rs2473114151, ClinGen allele CA354923669.
Genomic context (GRCh38, chr3:149,160,246, plus strand): 5'-TTCATCGATCTTAGTGACATTGACCAAGGCAGCAGTGGCTCTGAAAATGGGAGATCTTGA[C>G]ATGCACAGAAATGAAATGAAAAGCCATTCAGAGGTATGGAGCTCTGCCCGGTGCTAACAG-3'
Protein context (NP_115759.2, residues 681-701): AAVALKMGDL[Asp691Glu]MHRNEMKSHS

ClinVar aggregate classification (germline): Uncertain significance (1 of 4 stars; one submission).

Submission:

Labcorp Genetics (formerly Invitae), Labcorp
Classification: Uncertain significance. Last evaluated: 2022-04-12. Review status: criteria provided, single submitter. Criteria: Invitae Variant Classification Sherloc (09022015). Collection method: clinical testing. Allele origin: germline.
Comment: This variant has not been reported in the literature in individuals affected with HPS3-related conditions. In summary, the available evidence is currently insufficient to determine the role of this variant in disease. Therefore, it has been classified as a Variant of Uncertain Significance. Algorithms developed to predict the effect of missense changes on protein structure and function output the following: SIFT: "Tolerated"; PolyPhen-2: "Probably Damaging"; Align-GVGD: "Class C0". The glutamic acid amino acid residue is found in multiple mammalian species, which suggests that this missense change does not adversely affect protein function. This variant is not present in population databases (gnomAD no frequency). This sequence change replaces aspartic acid, which is acidic and polar, with glutamic acid, which is acidic and polar, at codon 691 of the HPS3 protein (p.Asp691Glu).